The following is an entry in ClinVar:

NM_004655.4(AXIN2):c.1736_1743dup (p.Asn582fs)

Gene: AXIN2 (axin 2; minus strand). Cytogenetic location: 17q24.1.
Variant type: Duplication.
Coding change: c.1736_1743dup on transcript NM_004655.4 (MANE Select); coding-DNA positions 1736 to 1743, 8 bases duplicated (CCAAACGC; older notation c.1736_1743dupCCAAACGC).
Protein change: p.Asn582fs; shifts the reading frame from asparagine 582.
Molecular consequence: frameshift variant. On other transcripts: intron variant (1).
Genome position (GRCh38, 1-based): chr17:65,537,033-65,537,040, GCGTTTGG duplicated on the plus strand (CCAAACGC on the coding strand, the reverse complement: AXIN2 is on the minus strand); duplicating any 8 consecutive bases within chr17:65,537,033-65,537,042 gives the same sequence; the c. name uses the placement nearest the transcript's 3' end. VCF-style (leftmost placement, unchanged base first): chr17-65537032-T-TGCGTTTGG. GRCh37 (hg19) VCF-style: chr17-63533150-T-TGCGTTTGG.
Other names: c.1712+284_1712+291dup (NM_001363813.1); short protein forms N582fs.
Identifiers: ClinVar variation 1517320 (VCV001517320.8), dbSNP rs2144451564, ClinGen allele CA2573154733.
Genomic context (GRCh38, chr17:65,537,032, plus strand): 5'-CGCCGGGGGCCCCTCCTTCCCTGGCGGGCAGGGCCAGGCCCGGCTCCGTGCCTTTCCCAT[T>TGCGTTTGG]GCGTTTGGGCAAGGTACTGCCTCTGCTGCCGCTGTGGGGAACCAAGAACCACACCCAACC-3'

ClinVar aggregate classification (germline): Uncertain significance (1 of 4 stars; one submission).

Conditions:
Oligodontia-cancer predisposition syndrome. Also called: TOOTH AGENESIS-COLORECTAL CANCER SYNDROME. Identifiers: Orphanet 300576, MedGen C1837750, MONDO:0012075, OMIM 608615. Disease mechanism: loss of function.

Submission:

Labcorp Genetics (formerly Invitae), Labcorp
Classification: Uncertain significance for Oligodontia-cancer predisposition syndrome. Last evaluated: 2021-06-23. Review status: criteria provided, single submitter. Criteria: Invitae Variant Classification Sherloc (09022015). Collection method: clinical testing. Allele origin: germline.
Comment: Tissue-specific transcript isoforms that skip in-frame exon 7 (also known as exon 6 in the literature) have been described (PMID: 15735151), questioning the clinical significance of deleting this exon through alternative splicing and/or whole exon deletion. Although loss-of-function variants in AXIN2 are known to be pathogenic (PMID: 21416598, 15042511), the clinical significance of truncating (nonsense, frameshift) variants within exon 7 is uncertain. In summary, the available evidence is currently insufficient to determine the role of this variant in disease. Therefore, it has been classified as a Variant of Uncertain Significance. This variant has not been reported in the literature in individuals with AXIN2-related conditions. This variant is not present in population databases (ExAC no frequency). This sequence change creates a premature translational stop signal (p.Asn582Profs*110) in the AXIN2 gene. However, it is currently unclear if variants that occur in this region of the gene cause disease.

Literature cited by the submitters: PubMed 15735151; PubMed 21416598; PubMed 15042511.